The following is an entry in ClinVar:

ClinVar aggregate classification (germline): Conflicting classifications of pathogenicity. Review status: criteria provided, conflicting classifications (1 of 4 stars). 8 submissions from 8 submitters: Uncertain significance (1); Likely benign (5). 2 of the submissions do not count toward it. Last evaluated 2026-01-17.

Conditions:
FANCA-related disorder. Also called: FANCA-related condition.
Inborn genetic diseases. Identifiers: MedGen C0950123, MeSH D030342.
Fanconi anemia (FA). Also called: Fanconi's anemia. Identifiers: Orphanet 84, MedGen C0015625, MeSH D005199, MONDO:0019391.
Fanconi anemia complementation group A (FANCA). Also called: Fanconi anemia, group A; FANCA-Related Fanconi Anemia. Identifiers: Orphanet 84, MedGen C3469521, MONDO:0009215, OMIM 227650.

Allele frequency attached by ClinVar (database versions not stated): ExAC 0.00010; 1000 Genomes Project 30x 0.00016; gnomAD 0.00023 and 0.00024; TOPMed 0.00025; ESP Exome Variant Server 0.00038.
gnomAD v4.1: 744 of 1,611,196 alleles (0.046%); highest among the groups gnomAD compares: Non-Finnish European, 0.062%; no homozygotes.

Submissions (8):

Labcorp Genetics (formerly Invitae), Labcorp
Classification: Likely benign for Fanconi anemia. Last evaluated: 2026-01-17. Review status: criteria provided, single submitter. Criteria: Invitae Variant Classification Sherloc (09022015). Collection method: clinical testing. Allele origin: germline.

Ambry Genetics
Classification: Likely benign for Inborn genetic diseases. Last evaluated: 2024-11-23. Review status: criteria provided, single submitter. Criteria: Ambry Variant Classification Scheme 2023. Collection method: clinical testing. Allele origin: germline.

Blueprint Genetics
Classification: Likely benign. Last evaluated: 2023-10-16. Review status: criteria provided, single submitter. Criteria: ACMG Guidelines, 2015. Collection method: clinical testing. Allele origin: germline.

Sema4
Classification: Likely benign for Fanconi anemia. Last evaluated: 2021-09-23. Review status: criteria provided, single submitter. Criteria: Sema4 Curation Guidelines. Collection method: curation. Allele origin: germline.

Quest Diagnostics Nichols Institute San Juan Capistrano
Classification: Likely benign. Last evaluated: 2021-05-18. Review status: criteria provided, single submitter. Criteria: Quest Diagnostics criteria. Collection method: clinical testing. Allele origin: unknown.

Illumina Laboratory Services, Illumina
Classification: Uncertain significance for Fanconi anemia complementation group A. Last evaluated: 2018-01-13. Review status: criteria provided, single submitter. Criteria: ICSL Variant Classification Criteria 13 December 2019. Collection method: clinical testing. Allele origin: germline.

Genetic Services Laboratory, University of Chicago
Classification: Likely benign. Last evaluated: 2022-11-10. Review status: no assertion criteria provided. Collection method: clinical testing. Allele origin: germline. Affected: no. Not counted in ClinVar's aggregate classification.

PreventionGenetics, part of Exact Sciences
Classification: Likely benign for FANCA-related condition. Last evaluated: 2022-08-08. Review status: no assertion criteria provided. Collection method: clinical testing. Allele origin: germline. Not counted in ClinVar's aggregate classification.
Comment: This variant is classified as likely benign based on ACMG/AMP sequence variant interpretation guidelines (Richards et al. 2015 PMID: 25741868, with internal and published modifications).

Literature cited by the submitters: PubMed 23021409 (cited by Quest Diagnostics Nichols Institute San Juan Capistrano).

NM_000135.4(FANCA):c.2589C>A (p.Gly863=)

Gene: FANCA (FA complementation group A; minus strand). Cytogenetic location: 16q24.3.
Variant type: single nucleotide variant.
Coding change: c.2589C>A on transcript NM_000135.4 (MANE Select); coding-DNA position 2589, C replaced by A.
Protein change: p.Gly863=; no amino-acid change (glycine 863 retained).
Molecular consequence: synonymous variant.
Genome position (GRCh38, 1-based): chr16:89,767,153, G>T on the plus strand (C>A on the coding strand, the complement: FANCA is on the minus strand). VCF-style: chr16-89767153-G-T. GRCh37 (hg19) VCF-style: chr16-89833561-G-T.
Other names: c.2589C>A (LRG_495t1); c.2589C>A, p.Gly863= (NM_001286167.3).
Identifiers: ClinVar variation 456098 (VCV000456098.22), dbSNP rs72807571, ClinGen allele CA8251673.